The following is an entry in ClinVar:

ClinVar aggregate classification (germline): Likely pathogenic (1 of 4 stars; one submission).

Submission:

CeGaT Center for Human Genetics Tuebingen
Classification: Likely pathogenic. Last evaluated: 2024-01-01. Review status: criteria provided, single submitter. Criteria: CeGaT Center For Human Genetics Tuebingen Variant Classification Criteria Version 2. Collection method: clinical testing. Allele origin: germline. Affected: yes. Observed: 1 variant allele.
Comment: EZH2: PM2, PM5, PP2, PP3

NM_004456.5(EZH2):c.394C>A (p.Pro132Thr)

Gene: EZH2 (enhancer of zeste 2 polycomb repressive complex 2 subunit; minus strand). Cytogenetic location: 7q36.1.
Variant type: single nucleotide variant.
Coding change: c.394C>A on transcript NM_004456.5 (MANE Select); coding-DNA position 394, C replaced by A.
Protein change: p.Pro132Thr; replaces proline 132 with threonine.
Molecular consequence: missense variant.
Genome position (GRCh38, 1-based): chr7:148,829,818, G>T on the plus strand (C>A on the coding strand, the complement: EZH2 is on the minus strand). VCF-style: chr7-148829818-G-T. GRCh37 (hg19) VCF-style: chr7-148526910-G-T.
Other names: c.394C>A, p.Pro132Thr (NM_001203247.2); c.367C>A, p.Pro123Thr (NM_001203248.2, NM_001203249.2); c.277C>A, p.Pro93Thr (NM_152998.3); short protein forms P123T, P132T, P93T.
Identifiers: ClinVar variation 3027053 (VCV003027053.22), dbSNP rs193921148, ClinGen allele CA369721814.